The following is an entry in ClinVar:

ClinVar aggregate classification (germline): Pathogenic (1 of 4 stars; one submission).

Conditions:
Duchenne muscular dystrophy (DMD). Also called: MUSCULAR DYSTROPHY, PSEUDOHYPERTROPHIC PROGRESSIVE, DUCHENNE TYPE; Duchenne Muscular Dystrophy (DMD). Identifiers: Orphanet 98896, MedGen C0013264, MONDO:0010679, OMIM 310200.

Submission:

Centro de Genética y Biología Molecular, Universidad de San Martín de Porres
Classification: Pathogenic for Duchenne muscular dystrophy. Review status: criteria provided, single submitter. Criteria: ACMG Guidelines, 2015. Collection method: clinical testing. Allele origin: germline. Inheritance: X-linked inheritance. Affected: yes. Observed: 1 compound heterozygote.
Comment: The c.3490A>T variant has been reported in Leiden Open (source) Variation Database (LOVD) version 3.0 to be classified as pathogenic evidence.

NM_004006.3(DMD):c.3490A>T (p.Lys1164Ter)

Gene: DMD (dystrophin; minus strand). Cytogenetic location: Xp21.1.
Variant type: single nucleotide variant.
Coding change: c.3490A>T on transcript NM_004006.3 (MANE Select); coding-DNA position 3490, A replaced by T.
Protein change: p.Lys1164Ter; replaces lysine 1164 with a stop codon.
Molecular consequence: nonsense.
Genome position (GRCh38, 1-based): chrX:32,454,775, T>A on the plus strand (A>T on the coding strand, the complement: DMD is on the minus strand). VCF-style: chrX-32454775-T-A. GRCh37 (hg19) VCF-style: chrX-32472892-T-A.
Other names: c.3466A>T, p.Lys1156Ter (NM_000109.4); c.3478A>T, p.Lys1160Ter (NM_004009.3); c.3121A>T, p.Lys1041Ter (NM_004010.3); short protein forms K1041*, K1156*, K1160*, K1164*.
Identifiers: ClinVar variation 984440 (VCV000984440.3), dbSNP rs2098349160, ClinGen allele CA412663288.